The following is an entry in ClinVar:

ClinVar aggregate classification (germline): Likely benign (1 of 4 stars; one submission).

gnomAD v4.1: 1 of 1,613,976 alleles (0.000062%); highest among the groups gnomAD compares: Admixed American, 0.0017%; no homozygotes.

Submission:

CeGaT Center for Human Genetics Tuebingen
Classification: Likely benign. Last evaluated: 2026-09-01. Review status: criteria provided, single submitter. Criteria: CeGaT Center For Human Genetics Tuebingen Variant Classification Criteria Version 2. Collection method: clinical testing. Allele origin: germline. Affected: yes. Observed: 1 variant allele.
Comment: LIG3: BP4, BP7

NM_013975.4(LIG3):c.2238C>T (p.Asp746=)

Gene: LIG3 (DNA ligase 3; plus strand). Cytogenetic location: 17q12.
Variant type: single nucleotide variant.
Coding change: c.2238C>T on transcript NM_013975.4 (MANE Select); coding-DNA position 2238, C replaced by T.
Protein change: p.Asp746=; no amino-acid change (aspartic acid 746 retained).
Molecular consequence: synonymous variant.
Genome position (GRCh38, 1-based): chr17:34,999,431, C>T. VCF-style: chr17-34999431-C-T. GRCh37 (hg19) VCF-style: chr17-33326450-C-T.
Other names: c.2238C>T, p.Asp746= (NM_002311.5).
Identifiers: ClinVar variation 5041508 (VCV005041508.1).